The following is an entry in ClinVar:

NM_004186.5(SEMA3F):c.963G>T (p.Arg321=)

Gene: SEMA3F (semaphorin 3F; plus strand). Cytogenetic location: 3p21.31.
Variant type: single nucleotide variant.
Coding change: c.963G>T on transcript NM_004186.5 (MANE Select); coding-DNA position 963, G replaced by T.
Protein change: p.Arg321=; no amino-acid change (arginine 321 retained).
Molecular consequence: synonymous variant.
Genome position (GRCh38, 1-based): chr3:50,182,963, G>T. VCF-style: chr3-50182963-G-T. GRCh37 (hg19) VCF-style: chr3-50220396-G-T.
Other names: c.666G>T, p.Arg222= (NM_001318798.2); c.870G>T, p.Arg290= (NM_001318800.2).
Identifiers: ClinVar variation 4995503 (VCV004995503.1).

ClinVar aggregate classification (germline): Likely benign (1 of 4 stars; one submission).

Conditions:
SEMA3F-related disorder. Also called: SEMA3F-related condition.

gnomAD v4.1: 1 of 1,614,010 alleles (0.000062%); highest among the groups gnomAD compares: Non-Finnish European, 0.000085%; no homozygotes.

Submission:

PreventionGenetics, part of Exact Sciences
Classification: Likely benign for SEMA3F-related condition. Last evaluated: 2026-02-07. Review status: criteria provided, single submitter. Criteria: ACMG Guidelines, 2015. Collection method: clinical testing. Allele origin: germline.
Comment: This variant is classified as likely benign based on ACMG/AMP sequence variant interpretation guidelines (Richards et al. 2015 PMID: 25741868, with internal and published modifications).